The following is an entry in ClinVar:

NM_016356.5(DCDC2):c.923-145C>T

Gene: DCDC2 (doublecortin domain containing 2; minus strand). Cytogenetic location: 6p22.3.
Variant type: single nucleotide variant.
Coding change: c.923-145C>T on transcript NM_016356.5 (MANE Select); 145 bases into the intron before coding-DNA position 923, C replaced by T.
Molecular consequence: intron variant.
Genome position (GRCh38, 1-based): chr6:24,205,247, G>A on the plus strand (C>T on the coding strand, the complement: DCDC2 is on the minus strand). VCF-style: chr6-24205247-G-A. GRCh37 (hg19) VCF-style: chr6-24205475-G-A.
Other names: c.923-145C>T (NM_001195610.2).
Identifiers: ClinVar variation 1194199 (VCV001194199.4), dbSNP rs192099171, ClinGen allele CA3654605.

ClinVar aggregate classification (germline): Benign/Likely benign. Review status: criteria provided, multiple submitters, no conflicts (2 of 4 stars). 3 submissions from 3 submitters: Benign (1); Likely benign (2). Last evaluated 2026-09-01.

Allele frequency attached by ClinVar (database versions not stated): gnomAD 0.00024 and 0.00074; TOPMed 0.00048; gnomAD exomes 0.00100 and 0.00221; 1000 Genomes Project 30x 0.00328; 1000 Genomes Project 0.00359; ExAC 0.00428.
gnomAD v4.1: 1,541 of 1,577,684 alleles (0.098%); highest among the groups gnomAD compares: South Asian, 1.2%; 16 homozygotes.

Submissions (3):

CeGaT Center for Human Genetics Tuebingen
Classification: Benign. Last evaluated: 2026-09-01. Review status: criteria provided, single submitter. Criteria: CeGaT Center For Human Genetics Tuebingen Variant Classification Criteria Version 2. Collection method: clinical testing. Allele origin: germline. Affected: yes. Observed: 1 variant allele.
Comment: DCDC2: BS1, BS2

GeneDx
Classification: Likely benign. Last evaluated: 2019-02-21. Review status: criteria provided, single submitter. Criteria: GeneDx Variant Classification Process June 2021. Collection method: clinical testing. Allele origin: germline. Affected: yes.

Breakthrough Genomics
Classification: Likely benign. Review status: criteria provided, single submitter. Criteria: ACMG Guidelines, 2015. Collection method: not provided. Allele origin: germline. Inheritance: Autosomal recessive inheritance. Affected: yes.